The following is an entry in ClinVar:

NM_002334.4(LRP4):c.2746C>T (p.Arg916Cys)

Gene: LRP4 (LDL receptor related protein 4; minus strand). Cytogenetic location: 11p11.2.
Variant type: single nucleotide variant.
Coding change: c.2746C>T on transcript NM_002334.4 (MANE Select); coding-DNA position 2746, C replaced by T.
Protein change: p.Arg916Cys; replaces arginine 916 with cysteine.
Molecular consequence: missense variant.
Genome position (GRCh38, 1-based): chr11:46,881,770, G>A on the plus strand (C>T on the coding strand, the complement: LRP4 is on the minus strand). VCF-style: chr11-46881770-G-A. GRCh37 (hg19) VCF-style: chr11-46903321-G-A.
Other names: short protein forms R916C.
Identifiers: ClinVar variation 535801 (VCV000535801.12), dbSNP rs147259655, ClinGen allele CA5969812.

ClinVar aggregate classification (germline): Uncertain significance. Review status: criteria provided, multiple submitters, no conflicts (2 of 4 stars). 4 submissions from 4 submitters: Uncertain significance (4). Last evaluated 2024-11-29.

Conditions:
Cenani-Lenz syndactyly syndrome. Also called: SYNDACTYLY, TYPE VII; CENANI SYNDACTYLISM. Identifiers: Orphanet 3258, MedGen C1859309, MONDO:0008931, OMIM 212780.
Congenital myasthenic syndrome 17. Identifiers: Orphanet 590, MedGen C4225377, MONDO:0014578, OMIM 616304.
Sclerosteosis 2 (SOST2). Identifiers: Orphanet 3152, MedGen C3280402, MONDO:0013679, OMIM 614305.
Inborn genetic diseases. Identifiers: MedGen C0950123, MeSH D030342.

Allele frequency attached by ClinVar (database versions not stated): gnomAD 0.00001; TOPMed 0.00001; ESP Exome Variant Server 0.00008.
gnomAD v4.1: 32 of 1,613,802 alleles (0.002%); highest among the groups gnomAD compares: Non-Finnish European, 0.0025%; no homozygotes.

Submissions (4):

Women's Health and Genetics/Laboratory Corporation of America, LabCorp
Classification: Uncertain significance. Last evaluated: 2024-11-29. Review status: criteria provided, single submitter. Criteria: LabCorp Variant Classification Summary - May 2015. Collection method: clinical testing. Allele origin: germline.
Comment: Variant summary: LRP4 c.2746C>T (p.Arg916Cys) results in a non-conservative amino acid change located in the Low-density lipoprotein-receptor YWTD domain (IPR000033) of the encoded protein sequence. Five of five in-silico tools predict a damaging effect of the variant on protein function. The variant allele was found at a frequency of 2.8e-05 in 251468 control chromosomes. The available data on variant occurrences in the general population are insufficient to allow any conclusion about variant significance. To our knowledge, no occurrence of c.2746C>T in individuals affected with LRP4-Related Disorders and no experimental evidence demonstrating its impact on protein function have been reported. ClinVar contains an entry for this variant (Variation ID: 535801). Based on the evidence outlined above, the variant was classified as uncertain significance.

Ambry Genetics
Classification: Uncertain significance for Inborn genetic diseases. Last evaluated: 2024-11-27. Review status: criteria provided, single submitter. Criteria: Ambry Variant Classification Scheme 2023. Collection method: clinical testing. Allele origin: germline.

Labcorp Genetics (formerly Invitae), Labcorp
Classification: Uncertain significance for Cenani-Lenz syndactyly syndrome; Sclerosteosis 2; Congenital myasthenic syndrome 17. Last evaluated: 2023-08-24. Review status: criteria provided, single submitter. Criteria: Invitae Variant Classification Sherloc (09022015). Collection method: clinical testing. Allele origin: germline.
Comment: This sequence change replaces arginine, which is basic and polar, with cysteine, which is neutral and slightly polar, at codon 916 of the LRP4 protein (p.Arg916Cys). This variant is present in population databases (rs147259655, gnomAD 0.007%). This variant has not been reported in the literature in individuals affected with LRP4-related conditions. ClinVar contains an entry for this variant (Variation ID: 535801). Advanced modeling of protein sequence and biophysical properties (such as structural, functional, and spatial information, amino acid conservation, physicochemical variation, residue mobility, and thermodynamic stability) has been performed at Invitae for this missense variant, however the output from this modeling did not meet the statistical confidence thresholds required to predict the impact of this variant on LRP4 protein function. In summary, the available evidence is currently insufficient to determine the role of this variant in disease. Therefore, it has been classified as a Variant of Uncertain Significance.

Fulgent Genetics
Classification: Uncertain significance for Cenani-Lenz syndactyly syndrome; Sclerosteosis 2; Congenital myasthenic syndrome 17. Last evaluated: 2022-02-08. Review status: criteria provided, single submitter. Criteria: ACMG Guidelines, 2015. Collection method: clinical testing. Allele origin: unknown.